The following is an entry in ClinVar:

NM_001083962.2(TCF4):c.1489A>G (p.Met497Val)

Gene: TCF4 (transcription factor 4; minus strand). Cytogenetic location: 18q21.2.
Variant type: single nucleotide variant.
Coding change: c.1489A>G on transcript NM_001083962.2 (MANE Select); coding-DNA position 1489, A replaced by G.
Protein change: p.Met497Val; replaces methionine 497 with valine.
Molecular consequence: missense variant.
Genome position (GRCh38, 1-based): chr18:55,232,669, T>C on the plus strand (A>G on the coding strand, the complement: TCF4 is on the minus strand). VCF-style: chr18-55232669-T-C. GRCh37 (hg19) VCF-style: chr18-52899900-T-C.
Other names: c.1795A>G, p.Met599Val (NM_001243226.3); c.1417A>G, p.Met473Val (NM_001243227.2, NM_001306207.1, NM_001348217.1 and 5 more transcripts); c.1507A>G, p.Met503Val (NM_001243228.2); c.1480A>G, p.Met494Val (NM_001243230.2); c.1363A>G, p.Met455Val (NM_001243231.2, NM_001348211.2); c.1276A>G, p.Met426Val (NM_001243232.1, NM_001306208.1); c.1099A>G, p.Met367Val (NM_001243233.2, NM_001330605.3, NM_001348212.2 and 1 more transcripts); c.1009A>G, p.Met337Val (NM_001243234.2, NM_001243235.2, NM_001243236.2 and 1 more transcripts); and 6 more; short protein forms M497V, M336V, M426V, M599V, M472V, M496V, M503V, M337V.
Identifiers: ClinVar variation 546077 (VCV000546077.2), dbSNP rs946579858, ClinGen allele CA300796993.

ClinVar aggregate classification (germline): Uncertain significance (1 of 4 stars; one submission).

Allele frequency attached by ClinVar (database versions not stated): gnomAD exomes 0.00001; TOPMed 0.00001.
gnomAD v4.1: 14 of 1,614,164 alleles (0.00087%); highest among the groups gnomAD compares: Non-Finnish European, 0.0012%; no homozygotes.

Submission:

GeneDx
Classification: Uncertain significance. Last evaluated: 2018-05-16. Review status: criteria provided, single submitter. Criteria: GeneDx Variant Classification (06012015). Collection method: clinical testing. Allele origin: germline. Affected: yes.
Comment: A variant of uncertain significance has been identified in the TCF4 gene. The M497V variant has not been published as a pathogenic variant, nor has it been reported as a benign variant to our knowledge. The M497V variant is not observed in large population cohorts (Lek et al., 2016). However, the M497V variant is a conservative amino acid substitution, which is not likely to impact secondary protein structure as these residues share similar properties. In-silico analyses, including protein predictors and evolutionary conservation, support that this variant does not alter protein structure/function. Therefore, based on the currently available information, it is unclear whether this variant is a pathogenic variant or a rare benign variant.